The following is an entry in ClinVar:

NM_007118.4(TRIO):c.677A>G (p.Asn226Ser)

Gene: TRIO (trio Rho guanine nucleotide exchange factor; plus strand). Cytogenetic location: 5p15.2.
Variant type: single nucleotide variant.
Coding change: c.677A>G on transcript NM_007118.4 (MANE Select); coding-DNA position 677, A replaced by G.
Protein change: p.Asn226Ser; replaces asparagine 226 with serine.
Molecular consequence: missense variant. On other transcripts: non-coding transcript variant (1).
Genome position (GRCh38, 1-based): chr5:14,290,852, A>G. VCF-style: chr5-14290852-A-G. GRCh37 (hg19) VCF-style: chr5-14290961-A-G.
Other names: short protein forms N226S.
Identifiers: ClinVar variation 4085234 (VCV004085234.8).

ClinVar aggregate classification (germline): Likely benign (1 of 4 stars; one submission).

gnomAD v4.1: 20 of 1,614,074 alleles (0.0012%); highest among the groups gnomAD compares: African/African-American, 0.011%; no homozygotes.

Submission:

CeGaT Center for Human Genetics Tuebingen
Classification: Likely benign. Last evaluated: 2025-08-01. Review status: criteria provided, single submitter. Criteria: CeGaT Center For Human Genetics Tuebingen Variant Classification Criteria Version 2. Collection method: clinical testing. Allele origin: germline. Affected: yes. Observed: 1 variant allele.
Comment: TRIO: BP4